The following is an entry in ClinVar:

NM_001127208.3(TET2):c.2072C>A (p.Thr691Asn)

Genes: TET2 (tet methylcytosine dioxygenase 2; plus strand), TET2-AS1 (TET2 antisense RNA 1; minus strand). Cytogenetic location: 4q24.
Variant type: single nucleotide variant.
Coding change: c.2072C>A on transcript NM_001127208.3 (MANE Select); coding-DNA position 2072, C replaced by A.
Protein change: p.Thr691Asn; replaces threonine 691 with asparagine.
Molecular consequence: missense variant.
Genome position (GRCh38, 1-based): chr4:105,236,014, C>A. VCF-style: chr4-105236014-C-A. GRCh37 (hg19) VCF-style: chr4-106157171-C-A.
Other names: c.2072C>A, p.Thr691Asn (NM_017628.4); short protein forms T691N.
Identifiers: ClinVar variation 3805858 (VCV003805858.1).

ClinVar aggregate classification (germline): Uncertain significance (1 of 4 stars; one submission).

gnomAD v4.1: 3 of 1,614,042 alleles (0.00019%); highest among the groups gnomAD compares: African/African-American, 0.004%; no homozygotes.

Submission:

Ambry Genetics
Classification: Uncertain significance. Last evaluated: 2024-12-15. Review status: criteria provided, single submitter. Criteria: Ambry Variant Classification Scheme 2023. Collection method: clinical testing. Allele origin: germline.
Comment: The p.T691N variant (also known as c.2072C>A), located in coding exon 1 of the TET2 gene, results from a C to A substitution at nucleotide position 2072. The threonine at codon 691 is replaced by asparagine, an amino acid with similar properties. This amino acid position is conserved. In addition, this alteration is predicted to be tolerated by in silico analysis. Based on the available evidence, the clinical significance of this variant remains unclear.